The following is an entry in ClinVar:

ClinVar aggregate classification (germline): Uncertain significance (1 of 4 stars; one submission).

Conditions:
Hypoplastic enamel-onycholysis-hypohidrosis syndrome (TNS). Also called: Tooth-and-Nail Syndrome; WITKOP SYNDROME; NAIL DYSPLASIA WITH HYPODONTIA; ECTODERMAL DYSPLASIA 3, WITKOP TYPE; ECTODERMAL DYSPLASIA 3, TOOTH/NAIL TYPE. Identifiers: Orphanet 2228, MedGen C0406735, MONDO:0008582, OMIM 189500.

Allele frequency attached by ClinVar (database versions not stated): ExAC 0.00001; gnomAD 0.00001; gnomAD exomes 0.00001 and 0.00003; TOPMed 0.00002.
gnomAD v4.1: 23 of 1,608,828 alleles (0.0014%); highest among the groups gnomAD compares: Non-Finnish European, 0.0019%; no homozygotes.

Submission:

Labcorp Genetics (formerly Invitae), Labcorp
Classification: Uncertain significance for Hypoplastic enamel-onycholysis-hypohidrosis syndrome. Last evaluated: 2020-11-14. Review status: criteria provided, single submitter. Criteria: Invitae Variant Classification Sherloc (09022015). Collection method: clinical testing. Allele origin: germline.
Comment: This variant has not been reported in the literature in individuals with MSX1-related conditions. It is also known as P278S. In summary, the available evidence is currently insufficient to determine the role of this variant in disease. Therefore, it has been classified as a Variant of Uncertain Significance. Algorithms developed to predict the effect of missense changes on protein structure and function are either unavailable or do not agree on the potential impact of this missense change (SIFT: "Tolerated"; PolyPhen-2: "Probably Damaging"; Align-GVGD: "Class C0"). This variant is present in population databases (rs771885867, ExAC 0.002%). This sequence change replaces proline with serine at codon 284 of the MSX1 protein (p.Pro284Ser). The proline residue is highly conserved and there is a moderate physicochemical difference between proline and serine.

NM_002448.3(MSX1):c.850C>T (p.Pro284Ser)

Gene: MSX1 (msh homeobox 1; plus strand). Cytogenetic location: 4p16.2.
Variant type: single nucleotide variant.
Coding change: c.850C>T on transcript NM_002448.3 (MANE Select); coding-DNA position 850, C replaced by T.
Protein change: p.Pro284Ser; replaces proline 284 with serine.
Molecular consequence: missense variant.
Genome position (GRCh38, 1-based): chr4:4,863,081, C>T. VCF-style: chr4-4863081-C-T. GRCh37 (hg19) VCF-style: chr4-4864808-C-T.
Other names: short protein forms P284S.
Identifiers: ClinVar variation 1503933 (VCV001503933.8), dbSNP rs771885867, ClinGen allele CA2833141.